The following is an entry in ClinVar:

NM_170754.4(TNS2):c.1934G>C (p.Arg645Pro)

Gene: TNS2 (tensin 2; plus strand). Cytogenetic location: 12q13.13.
Variant type: single nucleotide variant.
Coding change: c.1934G>C on transcript NM_170754.4 (MANE Select); coding-DNA position 1934, G replaced by C.
Protein change: p.Arg645Pro; replaces arginine 645 with proline.
Molecular consequence: missense variant.
Genome position (GRCh38, 1-based): chr12:53,059,575, G>C. VCF-style: chr12-53059575-G-C. GRCh37 (hg19) VCF-style: chr12-53453359-G-C.
Other names: c.1934G>C, p.Arg645Pro (NM_001416202.1); c.1892G>C, p.Arg631Pro (NM_001416203.1); c.1961G>C, p.Arg654Pro (NM_001416204.1); c.1865G>C, p.Arg622Pro (NM_015319.3); c.1562G>C, p.Arg521Pro (NM_198316.2); short protein forms R622P, R645P, R631P, R654P, R521P.
Identifiers: ClinVar variation 2705468 (VCV002705468.3), dbSNP rs745441242, ClinGen allele CA385011274.

ClinVar aggregate classification (germline): Uncertain significance (1 of 4 stars; one submission).

Submission:

Labcorp Genetics (formerly Invitae), Labcorp
Classification: Uncertain significance. Last evaluated: 2025-10-13. Review status: criteria provided, single submitter. Criteria: Invitae Variant Classification Sherloc (09022015). Collection method: clinical testing. Allele origin: germline.
Comment: This sequence change replaces arginine, which is basic and polar, with proline, which is neutral and non-polar, at codon 655 of the TNS2 protein (p.Arg655Pro). This variant is not present in population databases (gnomAD no frequency). This variant has not been reported in the literature in individuals affected with TNS2-related conditions. ClinVar contains an entry for this variant (Variation ID: 2705468). An algorithm developed to predict the effect of missense changes on protein structure and function (PolyPhen-2) suggests that this variant is likely to be disruptive. In summary, the available evidence is currently insufficient to determine the role of this variant in disease. Therefore, it has been classified as a Variant of Uncertain Significance.